The following is an entry in ClinVar:

NM_006186.4(NR4A2):c.1157_1158insCCTGGACTAGACCAGCCTGGACTATTCCAG (p.Arg386delinsSerLeuAspTer)

Gene: NR4A2 (nuclear receptor subfamily 4 group A member 2; minus strand). Cytogenetic location: 2q24.1.
Variant type: Insertion.
Coding change: c.1157_1158insCCTGGACTAGACCAGCCTGGACTATTCCAG on transcript NM_006186.4 (MANE Select); coding-DNA positions 1157 to 1158, CCTGGACTAGACCAGCCTGGACTATTCCAG inserted.
Protein change: p.Arg386delinsSerLeuAspTer.
Molecular consequence: nonsense.
Genome position: GRCh38 VCF-style: chr2-156327851-C-CCTGGAATAGTCCAGGCTGGTCTAGTCCAGG. GRCh37 (hg19) VCF-style: chr2-157184363-C-CCTGGAATAGTCCAGGCTGGTCTAGTCCAGG.
Other names: c.968_969insCCTGGACTAGACCAGCCTGGACTATTCCAG, p.Arg323delinsSerLeuAspTer (NM_173173.3).
Identifiers: ClinVar variation 1321298 (VCV001321298.3), dbSNP rs2105601199, ClinGen allele CA2573051682.
Genomic context (GRCh38, chr2:156,327,851, plus strand): 5'-GGAGGGGTCCTGCCCATCTGTCGGTTTGTCCACATGATATCCCCCCCGCCAGCTTCTTAC[C>CCTGGAATAGTCCAGGCTGGTCTAGTCCAGG]CTGGAATAGTCCAGGCTGGTCATAGCCGGGTTGGAGTCGACATGGGCCCTGACGAGGGCA-3'

ClinVar aggregate classification (germline): Likely pathogenic (1 of 4 stars; one submission).

Conditions:
Intellectual developmental disorder with language impairment and early-onset DOPA-responsive dystonia-parkinsonism (IDLDP). Identifiers: Orphanet 660017, MedGen C5677001, MONDO:0859257, OMIM 619911.

Submission:

3billion
Classification: Likely pathogenic for Intellectual developmental disorder with language impairment and early-onset DOPA-responsive dystonia-parkinsonism. Last evaluated: 2024-04-15. Review status: criteria provided, single submitter. Criteria: ACMG Guidelines, 2015. Collection method: clinical testing. Allele origin: germline. Affected: yes.
Comment: The variant is not observed in the gnomAD v4.0.0 dataset. Predicted Consequence/Location: Stop-gained (nonsense) - predicted to result in a loss or disruption of normal protein function through nonsense-mediated decay (NMD) or protein truncation. Multiple pathogenic variants are reported downstream of the variant. Therefore, the variant is classified as likely pathogenic according to the recommendation of ACMG/AMP guideline.